The following is an entry in ClinVar:

NM_182746.3(MCM4):c.593G>A (p.Gly198Glu)

Gene: MCM4 (minichromosome maintenance complex component 4; plus strand). Cytogenetic location: 8q11.21.
Variant type: single nucleotide variant.
Coding change: c.593G>A on transcript NM_182746.3 (MANE Select); coding-DNA position 593, G replaced by A.
Protein change: p.Gly198Glu; replaces glycine 198 with glutamic acid.
Molecular consequence: missense variant.
Genome position (GRCh38, 1-based): chr8:47,962,855, G>A. VCF-style: chr8-47962855-G-A. GRCh37 (hg19) VCF-style: chr8-48875415-G-A.
Other names: c.593G>A, p.Gly198Glu (NM_005914.4); short protein forms G198E.
Identifiers: ClinVar variation 1922387 (VCV001922387.5), dbSNP rs777218500, ClinGen allele CA4742350.
Genomic context (GRCh38, chr8:47,962,855, plus strand): 5'-CTAAAGAAGAAGAAAATGTTGGCATAGATATTACTGAACCTCTATACATGCAACGACTTG[G>A]GGAGGTAATCAAATACTCTTTAAATTCAAGTTACGTGTTTTAAAATAGTTAAATTAGCAA-3'
Protein context (NP_877423.1, residues 188-208): ITEPLYMQRL[Gly198Glu]EINVIGEPFL

ClinVar aggregate classification (germline): Uncertain significance (1 of 4 stars; one submission).

Allele frequency attached by ClinVar (database versions not stated): gnomAD exomes below 0.00001; ExAC 0.00001.
gnomAD v4.1: 1 of 1,600,566 alleles (0.000062%); highest among the groups gnomAD compares: Non-Finnish European, 0.000085%; no homozygotes.

Submission:

Labcorp Genetics (formerly Invitae), Labcorp
Classification: Uncertain significance. Last evaluated: 2022-05-27. Review status: criteria provided, single submitter. Criteria: Invitae Variant Classification Sherloc (09022015). Collection method: clinical testing. Allele origin: germline.
Comment: This variant is present in population databases (rs777218500, gnomAD 0.007%). This sequence change replaces glycine, which is neutral and non-polar, with glutamic acid, which is acidic and polar, at codon 198 of the MCM4 protein (p.Gly198Glu). This variant has not been reported in the literature in individuals affected with MCM4-related conditions. Algorithms developed to predict the effect of missense changes on protein structure and function output the following: SIFT: "Tolerated"; PolyPhen-2: "Benign"; Align-GVGD: "Class C0". The glutamic acid amino acid residue is found in multiple mammalian species, which suggests that this missense change does not adversely affect protein function. In summary, the available evidence is currently insufficient to determine the role of this variant in disease. Therefore, it has been classified as a Variant of Uncertain Significance.